The following is an entry in ClinVar:

ClinVar aggregate classification (germline): Uncertain significance (1 of 4 stars; one submission).

Conditions:
Perlman syndrome (PRLMNS). Identifiers: Orphanet 2849, MedGen C0796113, MONDO:0009965, OMIM 267000.

Allele frequency attached by ClinVar (database versions not stated): gnomAD exomes below 0.00001; TOPMed below 0.00001.
gnomAD v4.1: 1 of 1,613,674 alleles (0.000062%); highest among the groups gnomAD compares: South Asian, 0.0011%; no homozygotes.

Submission:

Labcorp Genetics (formerly Invitae), Labcorp
Classification: Uncertain significance for Perlman syndrome. Last evaluated: 2021-09-15. Review status: criteria provided, single submitter. Criteria: Invitae Variant Classification Sherloc (09022015). Collection method: clinical testing. Allele origin: germline.
Comment: This variant has not been reported in the literature in individuals affected with DIS3L2-related conditions. Algorithms developed to predict the effect of missense changes on protein structure and function are either unavailable or do not agree on the potential impact of this missense change (SIFT: "Tolerated"; PolyPhen-2: "Possibly Damaging"; Align-GVGD: "Class C0"). Algorithms developed to predict the effect of sequence changes on RNA splicing suggest that this variant may create or strengthen a splice site. In summary, the available evidence is currently insufficient to determine the role of this variant in disease. Therefore, it has been classified as a Variant of Uncertain Significance. This variant is not present in population databases (ExAC no frequency). This sequence change replaces threonine with alanine at codon 386 of the DIS3L2 protein (p.Thr386Ala). The threonine residue is highly conserved and there is a small physicochemical difference between threonine and alanine.

NM_152383.5(DIS3L2):c.1156A>G (p.Thr386Ala)

Gene: DIS3L2 (DIS3 like 3'-5' exoribonuclease 2; plus strand). Cytogenetic location: 2q37.1.
Variant type: single nucleotide variant.
Coding change: c.1156A>G on transcript NM_152383.5 (MANE Select); coding-DNA position 1156, A replaced by G.
Protein change: p.Thr386Ala; replaces threonine 386 with alanine.
Molecular consequence: missense variant. On other transcripts: non-coding transcript variant (2).
Genome position (GRCh38, 1-based): chr2:232,210,357, A>G. VCF-style: chr2-232210357-A-G. GRCh37 (hg19) VCF-style: chr2-233075067-A-G.
Other names: c.1156A>G, p.Thr386Ala (NM_001257281.2); short protein forms T386A.
Identifiers: ClinVar variation 1405010 (VCV001405010.6), dbSNP rs1574947669, ClinGen allele CA351154039.
Genomic context (GRCh38, chr2:232,210,357, plus strand): 5'-TTGCTAATTGTTTCTTCACTCTTTCCTAGAAAAGACTGTATCTTCACCATTGACCCATCA[A>G]CCGCCCGAGACCTCGATGATGCCCTCTCCTGCAAGCCACTCGCTGACGGTAGGATGGAAA-3'
Protein context (NP_689596.4, residues 376-396): KDCIFTIDPS[Thr386Ala]ARDLDDALSC